The following is an entry in ClinVar:

ClinVar aggregate classification (germline): Uncertain significance (1 of 4 stars; one submission).

Conditions:
Pitt-Hopkins-like syndrome 2 (PTHSL2). Identifiers: Orphanet 221150, Orphanet 600663, MedGen C3280479, MONDO:0013690, OMIM 614325.

Allele frequency attached by ClinVar (database versions not stated): gnomAD exomes below 0.00001.
gnomAD v4.1: 1 of 1,613,154 alleles (0.000062%); highest among the groups gnomAD compares: Non-Finnish European, 0.000085%; no homozygotes.

Submission:

Labcorp Genetics (formerly Invitae), Labcorp
Classification: Uncertain significance for Pitt-Hopkins-like syndrome 2. Last evaluated: 2020-03-05. Review status: criteria provided, single submitter. Criteria: Invitae Variant Classification Sherloc (09022015). Collection method: clinical testing. Allele origin: germline.
Comment: This variant has not been reported in the literature in individuals with NRXN1-related conditions. In summary, the available evidence is currently insufficient to determine the role of this variant in disease. Therefore, it has been classified as a Variant of Uncertain Significance. Algorithms developed to predict the effect of missense changes on protein structure and function are either unavailable or do not agree on the potential impact of this missense change (SIFT: "Tolerated"; PolyPhen-2: "Possibly Damaging"; Align-GVGD: "Class C0"). This variant is not present in population databases (ExAC no frequency). This sequence change replaces glycine with aspartic acid at codon 1215 of the NRXN1 protein (p.Gly1215Asp). The glycine residue is highly conserved and there is a moderate physicochemical difference between glycine and aspartic acid.

NM_001330078.2(NRXN1):c.3524G>A (p.Gly1175Asp)

Gene: NRXN1 (neurexin 1; minus strand). Cytogenetic location: 2p16.3.
Variant type: single nucleotide variant.
Coding change: c.3524G>A on transcript NM_001330078.2 (MANE Select); coding-DNA position 3524, G replaced by A.
Protein change: p.Gly1175Asp; replaces glycine 1175 with aspartic acid.
Molecular consequence: missense variant.
Genome position (GRCh38, 1-based): chr2:50,236,811, C>T on the plus strand (G>A on the coding strand, the complement: NRXN1 is on the minus strand). VCF-style: chr2-50236811-C-T. GRCh37 (hg19) VCF-style: chr2-50463949-C-T.
Other names: c.3644G>A, p.Gly1215Asp (NM_001135659.3); c.3500G>A, p.Gly1167Asp (NM_001330077.2, NM_001330082.2); c.3458G>A, p.Gly1153Asp (NM_001330083.2, NM_001330084.2); c.3497G>A, p.Gly1166Asp (NM_001330085.2); c.3524G>A, p.Gly1175Asp (NM_001330086.2, NM_004801.6); c.3413G>A, p.Gly1138Asp (NM_001330087.2, NM_001330096.2); c.3443G>A, p.Gly1148Asp (NM_001330088.2); c.419G>A, p.Gly140Asp (NM_001330091.2, NM_001330092.2, NM_001330097.2 and 1 more transcripts); and 3 more; short protein forms G1166D, G1174D, G1148D, G1153D, G1171D, G1175D, G1138D, G1158D.
Identifiers: ClinVar variation 862096 (VCV000862096.10), dbSNP rs1310089431, ClinGen allele CA346820815.